The following is an entry in ClinVar:

ClinVar aggregate classification (germline): Uncertain significance (1 of 4 stars; one submission).

Conditions:
Cardiomyopathy (CMYO). Also called: Cardiomyopathies. Identifiers: Orphanet 167848, MedGen C0878544, MONDO:0004994, HP:0001638. Inheritance: Various modes of inheritance.

Submission:

Color Diagnostics, LLC DBA Color Health
Classification: Uncertain significance for Cardiomyopathy. Last evaluated: 2023-11-06. Review status: criteria provided, single submitter. Criteria: ACMG Guidelines, 2015. Collection method: clinical testing. Allele origin: germline.
Comment: This missense variant replaces glutamine with histidine at codon 611 of the DSP protein. Computational prediction suggests that this variant may not impact protein structure and function (internally defined REVEL score threshold <= 0.5, PMID: 27666373). To our knowledge, functional studies have not been reported for this variant. This variant has not been reported in individuals affected with DSP-related disorders in the literature. This variant has not been identified in the general population by the Genome Aggregation Database (gnomAD). The available evidence is insufficient to determine the role of this variant in disease conclusively. Therefore, this variant is classified as a Variant of Uncertain Significance.

NM_004415.4(DSP):c.1833G>C (p.Gln611His)

Gene: DSP (desmoplakin; plus strand). Cytogenetic location: 6p24.3.
Variant type: single nucleotide variant.
Coding change: c.1833G>C on transcript NM_004415.4 (MANE Select); coding-DNA position 1833, G replaced by C.
Protein change: p.Gln611His; replaces glutamine 611 with histidine.
Molecular consequence: missense variant.
Genome position (GRCh38, 1-based): chr6:7,571,514, G>C. VCF-style: chr6-7571514-G-C. GRCh37 (hg19) VCF-style: chr6-7571747-G-C.
Other names: c.1833G>C, p.Gln611His (NM_001008844.3, NM_001319034.2); short protein forms Q611H.
Identifiers: ClinVar variation 2775276 (VCV002775276.2), dbSNP rs2533894363, ClinGen allele CA362679427.